The following is an entry in ClinVar:

NM_007259.5(VPS45):c.1556A>G (p.Tyr519Cys)

Gene: VPS45 (vacuolar protein sorting 45 homolog; plus strand). Cytogenetic location: 1q21.2.
Variant type: single nucleotide variant.
Coding change: c.1556A>G on transcript NM_007259.5 (MANE Select); coding-DNA position 1556, A replaced by G.
Protein change: p.Tyr519Cys; replaces tyrosine 519 with cysteine.
Molecular consequence: missense variant. On other transcripts: non-coding transcript variant (1).
Genome position (GRCh38, 1-based): chr1:150,110,558, A>G. VCF-style: chr1-150110558-A-G. GRCh37 (hg19) VCF-style: chr1-150082673-A-G.
Other names: c.1241A>G, p.Tyr414Cys (NM_001279353.2); c.1448A>G, p.Tyr483Cys (NM_001279354.2); short protein forms Y519C, Y483C, Y414C.
Identifiers: ClinVar variation 715350 (VCV000715350.32), dbSNP rs145193116, ClinGen allele CA1073448.

ClinVar aggregate classification (germline): Conflicting classifications of pathogenicity. Review status: criteria provided, conflicting classifications (1 of 4 stars). 2 submissions from 2 submitters: Uncertain significance (1); Likely benign (1). Last evaluated 2026-01-20.

Conditions:
Congenital neutropenia-myelofibrosis-nephromegaly syndrome. Also called: Severe congenital neutropenia 5, autosomal recessive. Identifiers: Orphanet 369852, MedGen C3809031, MONDO:0014118, OMIM 615285.

Allele frequency attached by ClinVar (database versions not stated): gnomAD exomes 0.00014 and 0.00029; gnomAD 0.00020 and 0.00021; TOPMed 0.00021; ExAC 0.00026; ESP Exome Variant Server 0.00038.
gnomAD v4.1: 257 of 1,613,868 alleles (0.016%); highest among the groups gnomAD compares: Admixed American, 0.0067%; 1 homozygote.

Submissions (2):

Labcorp Genetics (formerly Invitae), Labcorp
Classification: Likely benign for Congenital neutropenia-myelofibrosis-nephromegaly syndrome. Last evaluated: 2026-01-20. Review status: criteria provided, single submitter. Criteria: Invitae Variant Classification Sherloc (09022015). Collection method: clinical testing. Allele origin: germline.

CeGaT Center for Human Genetics Tuebingen
Classification: Uncertain significance. Last evaluated: 2024-02-01. Review status: criteria provided, single submitter. Criteria: CeGaT Center For Human Genetics Tuebingen Variant Classification Criteria Version 2. Collection method: clinical testing. Allele origin: germline. Affected: yes. Observed: 1 variant allele.
Comment: VPS45: PM2